The following is an entry in ClinVar:

NM_002860.4(ALDH18A1):c.1788G>T (p.Lys596Asn)

Gene: ALDH18A1 (aldehyde dehydrogenase 18 family member A1; minus strand). Cytogenetic location: 10q24.1.
Variant type: single nucleotide variant.
Coding change: c.1788G>T on transcript NM_002860.4 (MANE Select); coding-DNA position 1788, G replaced by T.
Protein change: p.Lys596Asn; replaces lysine 596 with asparagine.
Molecular consequence: missense variant.
Genome position (GRCh38, 1-based): chr10:95,613,979, C>A on the plus strand (G>T on the coding strand, the complement: ALDH18A1 is on the minus strand). VCF-style: chr10-95613979-C-A. GRCh37 (hg19) VCF-style: chr10-97373736-C-A.
Other names: c.1782G>T, p.Lys594Asn (NM_001017423.2, NM_001323415.2); c.1455G>T, p.Lys485Asn (NM_001323412.2, NM_001323416.2); c.1788G>T, p.Lys596Asn (NM_001323413.2, NM_001323414.2); c.1683G>T, p.Lys561Asn (NM_001323417.2); c.1449G>T, p.Lys483Asn (NM_001323418.2); c.1152G>T, p.Lys384Asn (NM_001323419.2); short protein forms K483N, K384N, K594N, K596N, K485N, K561N.
Identifiers: ClinVar variation 879505 (VCV000879505.10), dbSNP rs764910330, ClinGen allele CA5620233.

ClinVar aggregate classification (germline): Uncertain significance. Review status: criteria provided, multiple submitters, no conflicts (2 of 4 stars). 2 submissions from 2 submitters: Uncertain significance (2). Last evaluated 2022-09-01.

Conditions:
ALDH18A1-related de Barsy syndrome. Also called: DE BARSY SYNDROME A; Cutis laxa, autosomal recessive IIIA. Identifiers: Orphanet 2962, Orphanet 35664, MedGen C5234852, MONDO:0009053, OMIM 219150.
Autosomal dominant spastic paraplegia type 9. Identifiers: MedGen C1832669, MONDO:0015091.
Cutis laxa, autosomal dominant 3 (ADCL3). Identifiers: Orphanet 90348, MedGen C4225268, MONDO:0014706, OMIM 616603.
de Barsy syndrome. Also called: Cutis laxa-corneal clouding-oligophrenia syndrome. Identifiers: Orphanet 2962, MedGen C0268354, MONDO:0017569.

Allele frequency attached by ClinVar (database versions not stated): gnomAD exomes below 0.00001 and 0.00001; ExAC 0.00001.
gnomAD v4.1: 10 of 1,614,206 alleles (0.00062%); highest among the groups gnomAD compares: Non-Finnish European, 0.00068%; no homozygotes.

Submissions (2):

Labcorp Genetics (formerly Invitae), Labcorp
Classification: Uncertain significance for Autosomal dominant spastic paraplegia type 9; de Barsy syndrome; Cutis laxa, autosomal dominant 3. Last evaluated: 2022-09-01. Review status: criteria provided, single submitter. Criteria: Invitae Variant Classification Sherloc (09022015). Collection method: clinical testing. Allele origin: germline.
Comment: In summary, the available evidence is currently insufficient to determine the role of this variant in disease. Therefore, it has been classified as a Variant of Uncertain Significance. Algorithms developed to predict the effect of missense changes on protein structure and function (SIFT, PolyPhen-2, Align-GVGD) all suggest that this variant is likely to be disruptive. ClinVar contains an entry for this variant (Variation ID: 879505). This variant has not been reported in the literature in individuals affected with ALDH18A1-related conditions. This variant is present in population databases (rs764910330, gnomAD 0.0009%). This sequence change replaces lysine, which is basic and polar, with asparagine, which is neutral and polar, at codon 596 of the ALDH18A1 protein (p.Lys596Asn).

Illumina Laboratory Services, Illumina
Classification: Uncertain significance for ALDH18A1-related de Barsy syndrome. Last evaluated: 2018-01-13. Review status: criteria provided, single submitter. Criteria: ICSL Variant Classification Criteria 13 December 2019. Collection method: clinical testing. Allele origin: germline.